The following is an entry in ClinVar:

NM_018489.3(ASH1L):c.790G>T (p.Gly264Ter)

Gene: ASH1L (ASH1 like histone lysine methyltransferase; minus strand). Cytogenetic location: 1q22.
Variant type: single nucleotide variant.
Coding change: c.790G>T on transcript NM_018489.3 (MANE Select); coding-DNA position 790, G replaced by T.
Protein change: p.Gly264Ter; replaces glycine 264 with a stop codon.
Molecular consequence: nonsense.
Genome position (GRCh38, 1-based): chr1:155,482,080, C>A on the plus strand (G>T on the coding strand, the complement: ASH1L is on the minus strand). VCF-style: chr1-155482080-C-A. GRCh37 (hg19) VCF-style: chr1-155451871-C-A.
Other names: c.790G>T, p.Gly264Ter (NM_001366177.2); short protein forms G264*.
Identifiers: ClinVar variation 1216975 (VCV001216975.3), dbSNP rs2148732461, ClinGen allele CA342740925.

ClinVar aggregate classification (germline): Pathogenic (1 of 4 stars; one submission).

Submission:

GeneDx
Classification: Pathogenic. Last evaluated: 2019-05-22. Review status: criteria provided, single submitter. Criteria: GeneDx Variant Classification Process June 2021. Collection method: clinical testing. Allele origin: germline. Affected: yes.
Comment: Nonsense variant predicted to result in protein truncation or nonsense mediated decay in a gene for which loss-of-function is a known mechanism of disease; Not observed in large population cohorts (Lek et al., 2016); Has not been previously published as pathogenic or benign to our knowledge